The following is an entry in ClinVar:

ClinVar aggregate classification (germline): Uncertain significance (1 of 4 stars; one submission).

Submission:

Labcorp Genetics (formerly Invitae), Labcorp
Classification: Uncertain significance. Last evaluated: 2025-08-21. Review status: criteria provided, single submitter. Criteria: Invitae Variant Classification Sherloc (09022015). Collection method: clinical testing. Allele origin: germline.
Comment: This sequence change replaces asparagine, which is neutral and polar, with threonine, which is neutral and polar, at codon 381 of the IFT81 protein (p.Asn381Thr). This variant is not present in population databases (gnomAD no frequency). This variant has not been reported in the literature in individuals affected with IFT81-related conditions. ClinVar contains an entry for this variant (Variation ID: 960720). Invitae Evidence Modeling of protein sequence and biophysical properties (such as structural, functional, and spatial information, amino acid conservation, physicochemical variation, residue mobility, and thermodynamic stability) indicates that this missense variant is not expected to disrupt IFT81 protein function with a negative predictive value of 80%. In summary, the available evidence is currently insufficient to determine the role of this variant in disease. Therefore, it has been classified as a Variant of Uncertain Significance.

NM_014055.4(IFT81):c.1142A>C (p.Asn381Thr)

Gene: IFT81 (intraflagellar transport 81; plus strand). Cytogenetic location: 12q24.11.
Variant type: single nucleotide variant.
Coding change: c.1142A>C on transcript NM_014055.4 (MANE Select); coding-DNA position 1142, A replaced by C.
Protein change: p.Asn381Thr; replaces asparagine 381 with threonine.
Molecular consequence: missense variant. On other transcripts: non-coding transcript variant (4).
Genome position (GRCh38, 1-based): chr12:110,163,019, A>C. VCF-style: chr12-110163019-A-C. GRCh37 (hg19) VCF-style: chr12-110600824-A-C.
Other names: c.1142A>C, p.Asn381Thr (NM_001143779.2, NM_001347946.2, NM_031473.4); c.212A>C, p.Asn71Thr (NM_001347947.2, NM_001347948.2); short protein forms N381T, N71T.
Identifiers: ClinVar variation 960720 (VCV000960720.9), dbSNP rs757229995, ClinGen allele CA386914272.
Genomic context (GRCh38, chr12:110,163,019, plus strand): 5'-AACTTCAGGAGGCCAAGGAGAAGTTAGCCAGCCTAGAGAGAGAAGCATCAGTAAAGAGAA[A>C]TCAGACCCGTGAATTTGATGGTACTGAAGTTTTAAAGGGAGATGAGGTAAGCTGAGCCAT-3'
Protein context (NP_054774.2, residues 371-391): SLEREASVKR[Asn381Thr]QTREFDGTEV